The following is an entry in ClinVar:

ClinVar aggregate classification (germline): Pathogenic (1 of 4 stars; one submission).

Allele frequency attached by ClinVar (database versions not stated): gnomAD exomes below 0.00001.
gnomAD v4.1: 2 of 1,614,158 alleles (0.00012%); highest among the groups gnomAD compares: East Asian, 0.0022%; no homozygotes.

Submission:

Labcorp Genetics (formerly Invitae), Labcorp
Classification: Pathogenic. Last evaluated: 2023-11-25. Review status: criteria provided, single submitter. Criteria: Invitae Variant Classification Sherloc (09022015). Collection method: clinical testing. Allele origin: germline.
Comment: This sequence change creates a premature translational stop signal (p.Trp218*) in the LAMC2 gene. It is expected to result in an absent or disrupted protein product. Loss-of-function variants in LAMC2 are known to be pathogenic (PMID: 11907499, 16473856). This variant is not present in population databases (gnomAD no frequency). This variant has not been reported in the literature in individuals affected with LAMC2-related conditions. For these reasons, this variant has been classified as Pathogenic.

Literature cited by the submitters: PubMed 11907499; PubMed 16473856.

NM_005562.3(LAMC2):c.653G>A (p.Trp218Ter)

Gene: LAMC2 (laminin subunit gamma 2; plus strand). Cytogenetic location: 1q25.3.
Variant type: single nucleotide variant.
Coding change: c.653G>A on transcript NM_005562.3 (MANE Select); coding-DNA position 653, G replaced by A.
Protein change: p.Trp218Ter; replaces tryptophan 218 with a stop codon.
Molecular consequence: nonsense.
Genome position (GRCh38, 1-based): chr1:183,222,101, G>A. VCF-style: chr1-183222101-G-A. GRCh37 (hg19) VCF-style: chr1-183191236-G-A.
Other names: c.653G>A, p.Trp218Ter (NM_018891.3); short protein forms W218*.
Identifiers: ClinVar variation 2697340 (VCV002697340.3), dbSNP rs56199814, ClinGen allele CA33967313.